The following is an entry in ClinVar:

NM_000587.4(C7):c.2417T>C (p.Val806Ala)

Gene: C7 (complement C7; plus strand). Cytogenetic location: 5p13.1.
Variant type: single nucleotide variant.
Coding change: c.2417T>C on transcript NM_000587.4 (MANE Select); coding-DNA position 2417, T replaced by C.
Protein change: p.Val806Ala; replaces valine 806 with alanine.
Molecular consequence: missense variant.
Genome position (GRCh38, 1-based): chr5:40,981,458, T>C. VCF-style: chr5-40981458-T-C. GRCh37 (hg19) VCF-style: chr5-40981560-T-C.
Other names: short protein forms V806A.
Identifiers: ClinVar variation 1927309 (VCV001927309.5), dbSNP rs181468220, ClinGen allele CA3250304.

ClinVar aggregate classification (germline): Uncertain significance (1 of 4 stars; one submission).

Allele frequency attached by ClinVar (database versions not stated): gnomAD exomes below 0.00001; ExAC 0.00001; gnomAD 0.00005; TOPMed 0.00006.
gnomAD v4.1: 14 of 1,613,626 alleles (0.00087%); highest among the groups gnomAD compares: African/African-American, 0.017%; no homozygotes.

Submission:

Labcorp Genetics (formerly Invitae), Labcorp
Classification: Uncertain significance. Last evaluated: 2022-07-30. Review status: criteria provided, single submitter. Criteria: Invitae Variant Classification Sherloc (09022015). Collection method: clinical testing. Allele origin: germline.
Comment: This sequence change replaces valine, which is neutral and non-polar, with alanine, which is neutral and non-polar, at codon 806 of the C7 protein (p.Val806Ala). This variant is present in population databases (rs181468220, gnomAD 0.01%). This variant has not been reported in the literature in individuals affected with C7-related conditions. Algorithms developed to predict the effect of missense changes on protein structure and function (SIFT, PolyPhen-2, Align-GVGD) all suggest that this variant is likely to be tolerated. In summary, the available evidence is currently insufficient to determine the role of this variant in disease. Therefore, it has been classified as a Variant of Uncertain Significance.